The following is an entry in ClinVar:

ClinVar aggregate classification (germline): Pathogenic/Likely pathogenic. Review status: criteria provided, multiple submitters, no conflicts (2 of 4 stars). 2 submissions from 2 submitters: Pathogenic (1); Likely pathogenic (1). Last evaluated 2023-02-23.

Conditions:
Dystonia 16 (DYT16). Also called: DYT-PRKRA. Identifiers: Orphanet 210571, MedGen C2677567, MONDO:0012789, OMIM 612067.

Allele frequency attached by ClinVar (database versions not stated): ExAC 0.00001; gnomAD exomes 0.00003; gnomAD 0.00003.
gnomAD v4.1: 17 of 1,613,798 alleles (0.0011%); highest among the groups gnomAD compares: Admixed American, 0.012%; no homozygotes.

Submissions (2):

3billion
Classification: Likely pathogenic for Dystonia 16. Last evaluated: 2023-02-23. Review status: criteria provided, single submitter. Criteria: ACMG Guidelines, 2015. Collection method: clinical testing. Allele origin: unknown. Affected: yes.
Comment: The variant is observed at an extremely low frequency in the gnomAD v2.1.1 dataset (total allele frequency: 0.003%). Missense changes are a common disease-causing mechanism. The variant is in trans with the other variant. Same nucleotide change resulting in same amino acid change has been previously reported to be associated with PRKRA related disorder (ClinVar ID: VCV001686097 / PMID: 25737287). A different missense change at the same codon (p.Cys213Arg) has been reported to be associated with PRKRA related disorder (PMID: 24142417). Therefore, this variant is classified as Likely pathogenic according to the recommendation of ACMG/AMP guideline.

Mendelics
Classification: Pathogenic for Dystonia 16. Last evaluated: 2022-05-04. Review status: criteria provided, single submitter. Criteria: Mendelics Assertion Criteria 2019. Collection method: clinical testing. Allele origin: germline.

Literature cited by the submitters: PubMed 24142417 (cited by 3billion); PubMed 25737287 (cited by 3billion).

NM_003690.5(PRKRA):c.638G>T (p.Cys213Phe)

Genes: CHROMR (cholesterol induced regulator of metabolism RNA; plus strand), PRKRA (protein activator of interferon induced protein kinase EIF2AK2; minus strand). Cytogenetic location: 2q31.2.
Variant type: single nucleotide variant.
Coding change: c.638G>T on transcript NM_003690.5 (MANE Select); coding-DNA position 638, G replaced by T.
Protein change: p.Cys213Phe; replaces cysteine 213 with phenylalanine.
Molecular consequence: missense variant.
Genome position (GRCh38, 1-based): chr2:178,436,291, C>A on the plus strand (G>T on the coding strand, the complement: PRKRA is on the minus strand). VCF-style: chr2-178436291-C-A. GRCh37 (hg19) VCF-style: chr2-179301018-C-A.
Other names: c.605G>T, p.Cys202Phe (NM_001139517.2); c.563G>T, p.Cys188Phe (NM_001139518.2); c.299G>T, p.Cys100Phe (NM_001316362.2); short protein forms C100F, C188F, C202F, C213F.
Identifiers: ClinVar variation 1686097 (VCV001686097.2), dbSNP rs752452731, ClinGen allele CA1983803.